The following is an entry in ClinVar:

ClinVar aggregate classification (germline): Uncertain significance. Review status: criteria provided, multiple submitters, no conflicts (2 of 4 stars). 2 submissions from 2 submitters: Uncertain significance (2). Last evaluated 2026-07-26.

Conditions:
Arrhythmogenic cardiomyopathy with wooly hair and keratoderma. Also called: PALMOPLANTAR KERATODERMA WITH LEFT VENTRICULAR CARDIOMYOPATHY AND WOOLLY HAIR; Carvajal syndrome; Dilated cardiomyopathy with woolly hair and keratoderma; Arrhythmogenic cardiomyopathy with woolly hair and keratoderma. Identifiers: Orphanet 65282, MedGen C1854063, MONDO:0011581, OMIM 605676.
Arrhythmogenic right ventricular dysplasia 8 (ARVD8). Also called: Arrhythmogenic Right Ventricular Dysplasia/Cardiomyopathy 8; ARRHYTHMOGENIC RIGHT VENTRICULAR DYSPLASIA, FAMILIAL, 8; ARRHYTHMOGENIC RIGHT VENTRICULAR CARDIOMYOPATHY 8. Identifiers: MedGen C1843896, MONDO:0011831, OMIM 607450.
Cardiovascular phenotype. Identifiers: MedGen CN230736.

Allele frequency attached by ClinVar (database versions not stated): gnomAD exomes 0.00002.
gnomAD v4.1: 24 of 1,613,920 alleles (0.0015%); highest among the groups gnomAD compares: Non-Finnish European, 0.0019%; no homozygotes.

Submissions (2):

Ambry Genetics
Classification: Uncertain significance for Cardiovascular phenotype. Last evaluated: 2026-07-26. Review status: criteria provided, single submitter. Criteria: Ambry Variant Classification Scheme 2023. Collection method: clinical testing. Allele origin: germline.
Comment: The p.L1114M variant (also known as c.3340C>A), located in coding exon 23 of the DSP gene, results from a C to A substitution at nucleotide position 3340. The leucine at codon 1114 is replaced by methionine, an amino acid with highly similar properties. This amino acid position is conserved. In addition, the in silico prediction for this alteration is inconclusive. Based on the available evidence, the clinical significance of this variant remains unclear.

Labcorp Genetics (formerly Invitae), Labcorp
Classification: Uncertain significance for Arrhythmogenic cardiomyopathy with wooly hair and keratoderma; Arrhythmogenic right ventricular dysplasia 8. Last evaluated: 2025-05-07. Review status: criteria provided, single submitter. Criteria: Invitae Variant Classification Sherloc (09022015). Collection method: clinical testing. Allele origin: germline.
Comment: This sequence change replaces leucine, which is neutral and non-polar, with methionine, which is neutral and non-polar, at codon 1114 of the DSP protein (p.Leu1114Met). This variant is not present in population databases (gnomAD no frequency). This variant has not been reported in the literature in individuals affected with DSP-related conditions. ClinVar contains an entry for this variant (Variation ID: 2200242). An algorithm developed to predict the effect of missense changes on protein structure and function (PolyPhen-2) suggests that this variant is likely to be disruptive. In summary, the available evidence is currently insufficient to determine the role of this variant in disease. Therefore, it has been classified as a Variant of Uncertain Significance.

NM_004415.4(DSP):c.3340C>A (p.Leu1114Met)

Gene: DSP (desmoplakin; plus strand). Cytogenetic location: 6p24.3.
Variant type: single nucleotide variant.
Coding change: c.3340C>A on transcript NM_004415.4 (MANE Select); coding-DNA position 3340, C replaced by A.
Protein change: p.Leu1114Met; replaces leucine 1114 with methionine.
Molecular consequence: missense variant.
Genome position (GRCh38, 1-based): chr6:7,579,530, C>A. VCF-style: chr6-7579530-C-A. GRCh37 (hg19) VCF-style: chr6-7579763-C-A.
Other names: c.3340C>A, p.Leu1114Met (NM_001008844.3, NM_001319034.2); short protein forms L1114M.
Identifiers: ClinVar variation 2200242 (VCV002200242.5), dbSNP rs1457738095, ClinGen allele CA362683733.
Genomic context (GRCh38, chr6:7,579,530, plus strand): 5'-AAGCAAAATCTAGACAAGTGCTACGGCCAAATAAAAGAACTCAATGAGAAGATCACCCGA[C>A]TGACTTATGAGATTGAAGATGAAAAGAGAAGAAGAAAATCTGTGGAAGACAGATTTGACC-3'
Protein context (NP_004406.2, residues 1104-1124): IKELNEKITR[Leu1114Met]TYEIEDEKRR